The following is an entry in ClinVar:

NM_001376.5(DYNC1H1):c.7587G>A (p.Ala2529=)

Gene: DYNC1H1 (dynein cytoplasmic 1 heavy chain 1; plus strand). Cytogenetic location: 14q32.31.
Variant type: single nucleotide variant.
Coding change: c.7587G>A on transcript NM_001376.5 (MANE Select); coding-DNA position 7587, G replaced by A.
Protein change: p.Ala2529=; no amino-acid change (alanine 2529 retained).
Molecular consequence: synonymous variant.
Genome position (GRCh38, 1-based): chr14:102,016,462, G>A. VCF-style: chr14-102016462-G-A. GRCh37 (hg19) VCF-style: chr14-102482799-G-A.
Identifiers: ClinVar variation 392442 (VCV000392442.19), dbSNP rs201720217, ClinGen allele CA7352844.

ClinVar aggregate classification (germline): Benign/Likely benign. Review status: criteria provided, multiple submitters, no conflicts (2 of 4 stars). 7 submissions from 7 submitters: Benign (1); Likely benign (5). 1 of the submissions does not count toward it. Last evaluated 2025-10-20.

Conditions:
DYNC1H1-related disorder. Also called: DYNC1H1-related condition; DYNC1H1-related disorders. Identifiers: MedGen CN381529.
Inborn genetic diseases. Identifiers: MedGen C0950123, MeSH D030342.
Charcot-Marie-Tooth disease. Also called: Charcot-Marie-Tooth Neuropathy; Charcot-Marie-Tooth Hereditary Neuropathy. Identifiers: Orphanet 166, MedGen C0007959, MONDO:0015626.
Charcot-Marie-Tooth disease axonal type 2O. Also called: Charcot-Marie-Tooth Neuropathy Type 2O; CHARCOT-MARIE-TOOTH NEUROPATHY, AXONAL, TYPE 2O; CHARCOT-MARIE-TOOTH DISEASE, AXONAL, AUTOSOMAL DOMINANT, TYPE 2O; Charcot-Marie-Tooth disease, axonal, type 20. Identifiers: Orphanet 284232, MedGen C3280220, MONDO:0013644, OMIM 614228.

Allele frequency attached by ClinVar (database versions not stated): TOPMed 0.00003; ESP Exome Variant Server 0.00008; gnomAD 0.00009 and 0.00011; ExAC 0.00014; gnomAD exomes 0.00022; 1000 Genomes Project 30x 0.00031; 1000 Genomes Project 0.00040.
gnomAD v4.1: 148 of 1,614,070 alleles (0.0092%); highest among the groups gnomAD compares: East Asian, 0.033%; no homozygotes.

Submissions (7):

Labcorp Genetics (formerly Invitae), Labcorp
Classification: Benign for Charcot-Marie-Tooth disease axonal type 2O. Last evaluated: 2025-10-20. Review status: criteria provided, single submitter. Criteria: Invitae Variant Classification Sherloc (09022015). Collection method: clinical testing. Allele origin: germline.

Blueprint Genetics
Classification: Likely benign. Last evaluated: 2024-04-24. Review status: criteria provided, single submitter. Criteria: ACMG Guidelines, 2015. Collection method: clinical testing. Allele origin: germline.

GeneDx
Classification: Likely benign. Last evaluated: 2021-01-06. Review status: criteria provided, single submitter. Criteria: GeneDx Variant Classification Process June 2021. Collection method: clinical testing. Allele origin: germline. Affected: yes.

Ambry Genetics
Classification: Likely benign for Inborn genetic diseases. Last evaluated: 2017-08-07. Review status: criteria provided, single submitter. Criteria: Ambry Variant Classification Scheme 2023. Collection method: clinical testing. Allele origin: germline.

Breakthrough Genomics
Classification: Likely benign. Review status: criteria provided, single submitter. Criteria: ACMG Guidelines, 2015. Collection method: not provided. Allele origin: germline. Inheritance: Autosomal dominant inheritance. Affected: yes.

Molecular Genetics Laboratory, London Health Sciences Centre
Classification: Likely benign for Charcot-Marie-Tooth disease. Review status: criteria provided, single submitter. Criteria: ACMG Guidelines, 2015. Collection method: clinical testing. Allele origin: germline. Affected: yes.

PreventionGenetics, part of Exact Sciences
Classification: Likely benign for DYNC1H1-related condition. Last evaluated: 2024-05-05. Review status: no assertion criteria provided. Collection method: clinical testing. Allele origin: germline. Not counted in ClinVar's aggregate classification.
Comment: This variant is classified as likely benign based on ACMG/AMP sequence variant interpretation guidelines (Richards et al. 2015 PMID: 25741868, with internal and published modifications).